The following is an entry in ClinVar:

NM_138295.5(PKD1L1):c.3412C>T (p.Arg1138Ter)

Gene: PKD1L1 (polycystin 1 like 1, transient receptor potential channel interacting; minus strand). Cytogenetic location: 7p12.3.
Variant type: single nucleotide variant.
Coding change: c.3412C>T on transcript NM_138295.5 (MANE Select); coding-DNA position 3412, C replaced by T.
Protein change: p.Arg1138Ter; replaces arginine 1138 with a stop codon.
Molecular consequence: nonsense.
Genome position (GRCh38, 1-based): chr7:47,881,939, G>A on the plus strand (C>T on the coding strand, the complement: PKD1L1 is on the minus strand). VCF-style: chr7-47881939-G-A. GRCh37 (hg19) VCF-style: chr7-47921537-G-A.
Other names: short protein forms R1138*.
Identifiers: ClinVar variation 3718761 (VCV003718761.5).

ClinVar aggregate classification (germline): Pathogenic/Likely pathogenic. Review status: criteria provided, multiple submitters, no conflicts (2 of 4 stars). 4 submissions from 4 submitters: Pathogenic (2); Likely pathogenic (2). Last evaluated 2026-04-01.

Conditions:
PKD1L1-related disorder. Also called: PKD1L1-related condition.
Primary ciliary dyskinesia. Also called: Ciliary dyskinesia. Identifiers: Orphanet 244, MedGen C0008780, MONDO:0016575, HP:0012265.

gnomAD v4.1: 45 of 1,605,068 alleles (0.0028%); highest among the groups gnomAD compares: Non-Finnish European, 0.0031%; no homozygotes.

Submissions (4):

Department of Human Genetics, Hannover Medical School
Classification: Pathogenic for Primary Ciliary Dyskinesia. Last evaluated: 2026-04-01. Review status: criteria provided, single submitter. Criteria: ACMG Guidelines, 2015. Collection method: research. Allele origin: germline. Affected: no.
Comment: Classification performed by HerediClassify using the following criteria:['PM2_supporting: Variant occures does not occur as homozygous in gnomAD.', 'PVS1_protein_very_strong: Transcript ENST00000289672 is predicted to undergo NMD.', "PP4_moderate: The PICADAR socre of 6.0 exceeds threshold of 6 achieving 'moderate' evidence strength."]

Laboratory of Genetics, Children's Clinical University Hospital Latvia
Classification: Likely pathogenic. Last evaluated: 2025-02-16. Review status: criteria provided, single submitter. Criteria: ACMG Guidelines, 2015. Collection method: clinical testing. Allele origin: germline. Affected: yes.

Blueprint Genetics
Classification: Likely pathogenic for PKD1L1-related disorders. Last evaluated: 2024-08-29. Review status: criteria provided, single submitter. Criteria: ACMG Guidelines, 2015. Collection method: clinical testing. Allele origin: germline. Affected: yes. Observed: 3 variant alleles.

Labcorp Genetics (formerly Invitae), Labcorp
Classification: Pathogenic. Last evaluated: 2024-05-13. Review status: criteria provided, single submitter. Criteria: Invitae Variant Classification Sherloc (09022015). Collection method: clinical testing. Allele origin: germline.
Comment: This sequence change creates a premature translational stop signal (p.Arg1138*) in the PKD1L1 gene. It is expected to result in an absent or disrupted protein product. Loss-of-function variants in PKD1L1 are known to be pathogenic (PMID: 27616478). This variant is present in population databases (rs372187137, gnomAD 0.01%). This variant has not been reported in the literature in individuals affected with PKD1L1-related conditions. For these reasons, this variant has been classified as Pathogenic.

Literature cited by the submitters: PubMed 27616478 (cited by Labcorp Genetics (formerly Invitae), Labcorp).